The following is an entry in ClinVar:

ClinVar aggregate classification (germline): Uncertain significance (1 of 4 stars; one submission).

Conditions:
Hereditary cancer-predisposing syndrome. Also called: Neoplastic Syndromes, Hereditary; Tumor predisposition; Hereditary neoplastic syndrome; Hereditary Cancer Syndrome. Identifiers: Orphanet 140162, MedGen C0027672, MeSH D009386, MONDO:0015356.

Submission:

Ambry Genetics
Classification: Uncertain significance for Hereditary cancer-predisposing syndrome. Last evaluated: 2026-07-06. Review status: criteria provided, single submitter. Criteria: Ambry Variant Classification Scheme 2023. Collection method: clinical testing. Allele origin: germline.
Comment: The p.G351D variant (also known as c.1052G>A), located in coding exon 8 of the BMPR1A gene, results from a G to A substitution at nucleotide position 1052. The glycine at codon 351 is replaced by aspartic acid, an amino acid with similar properties. This amino acid position is conserved. In addition, this alteration is predicted to be deleterious by in silico analysis. Based on the available evidence, the clinical significance of this variant remains unclear.

NM_004329.3(BMPR1A):c.1052G>A (p.Gly351Asp)

Gene: BMPR1A (bone morphogenetic protein receptor type 1A; plus strand). Cytogenetic location: 10q23.2.
Variant type: single nucleotide variant.
Coding change: c.1052G>A on transcript NM_004329.3 (MANE Select); coding-DNA position 1052, G replaced by A.
Protein change: p.Gly351Asp; replaces glycine 351 with aspartic acid.
Molecular consequence: missense variant. On other transcripts: non-coding transcript variant (3).
Genome position (GRCh38, 1-based): chr10:86,919,355, G>A. VCF-style: chr10-86919355-G-A. GRCh37 (hg19) VCF-style: chr10-88679112-G-A.
Other names: c.968G>A, p.Gly323Asp (NM_001406584.1, NM_001406585.1, NM_001406586.1 and 2 more transcripts); c.710G>A, p.Gly237Asp (NM_001406589.1); c.1127G>A, p.Gly376Asp (NM_001406559.1); c.1100G>A, p.Gly367Asp (NM_001406560.1); c.1052G>A, p.Gly351Asp (NM_001406561.1, NM_001406562.1, NM_001406563.1 and 19 more transcripts); c.1046G>A, p.Gly349Asp (NM_001406583.1); short protein forms G351D, G367D, G237D, G323D, G349D, G376D.
Identifiers: ClinVar variation 5032985 (VCV005032985.1).